The following is an entry in ClinVar:

NM_000302.4(PLOD1):c.1649C>T (p.Thr550Met)

Gene: PLOD1 (procollagen-lysine,2-oxoglutarate 5-dioxygenase 1; plus strand). Cytogenetic location: 1p36.22.
Variant type: single nucleotide variant.
Coding change: c.1649C>T on transcript NM_000302.4 (MANE Select); coding-DNA position 1649, C replaced by T.
Protein change: p.Thr550Met; replaces threonine 550 with methionine.
Molecular consequence: missense variant.
Genome position (GRCh38, 1-based): chr1:11,966,315, C>T. VCF-style: chr1-11966315-C-T. GRCh37 (hg19) VCF-style: chr1-12026372-C-T.
Other names: c.1790C>T, p.Thr597Met (NM_001316320.2); short protein forms T550M, T597M.
Identifiers: ClinVar variation 651980 (VCV000651980.11), dbSNP rs748526375, ClinGen allele CA598492.

ClinVar aggregate classification (germline): Conflicting classifications of pathogenicity. Review status: criteria provided, conflicting classifications (1 of 4 stars). 3 submissions from 3 submitters: Uncertain significance (2); Likely benign (1). Last evaluated 2023-04-22.

Conditions:
Familial thoracic aortic aneurysm and aortic dissection (TAAD). Also called: Thoracic aortic aneurysms and dissections. Identifiers: Orphanet 91387, MedGen C4707243, MONDO:0019625.
Ehlers-Danlos syndrome, kyphoscoliotic type 1 (EDSKSCL1). Also called: PLOD1-Related Kyphoscoliotic Ehlers-Danlos Syndrome; EHLERS-DANLOS SYNDROME, TYPE VIA; EHLERS-DANLOS SYNDROME, OCULAR-SCOLIOTIC TYPE; Ehlers-Danlos syndrome, hydroxylysine-deficient. Identifiers: Orphanet 1900, MedGen C0268342, MONDO:0016002, OMIM 225400. Disease mechanism: loss of function.

Allele frequency attached by ClinVar (database versions not stated): ExAC 0.00001; gnomAD exomes 0.00005; TOPMed 0.00011; gnomAD 0.00019.
gnomAD v4.1: 53 of 1,601,632 alleles (0.0033%); highest among the groups gnomAD compares: Admixed American, 0.059%; no homozygotes.

Submissions (3):

Ambry Genetics
Classification: Likely benign for Familial thoracic aortic aneurysm and aortic dissection. Last evaluated: 2023-04-22. Review status: criteria provided, single submitter. Criteria: Ambry Variant Classification Scheme 2023. Collection method: clinical testing. Allele origin: germline.

Labcorp Genetics (formerly Invitae), Labcorp
Classification: Uncertain significance for Ehlers-Danlos syndrome, kyphoscoliotic type 1. Last evaluated: 2021-08-28. Review status: criteria provided, single submitter. Criteria: Invitae Variant Classification Sherloc (09022015). Collection method: clinical testing. Allele origin: germline.
Comment: This sequence change replaces threonine with methionine at codon 550 of the PLOD1 protein (p.Thr550Met). The threonine residue is weakly conserved and there is a moderate physicochemical difference between threonine and methionine. This variant is present in population databases (rs748526375, ExAC 0.002%). This variant has not been reported in the literature in individuals affected with PLOD1-related conditions. Algorithms developed to predict the effect of missense changes on protein structure and function output the following: SIFT: "Tolerated"; PolyPhen-2: "Benign"; Align-GVGD: "Class C0". The methionine amino acid residue is found in multiple mammalian species, which suggests that this missense change does not adversely affect protein function. In summary, the available evidence is currently insufficient to determine the role of this variant in disease. Therefore, it has been classified as a Variant of Uncertain Significance.

Illumina Laboratory Services, Illumina
Classification: Uncertain significance for Ehlers-Danlos syndrome, kyphoscoliotic type 1. Last evaluated: 2018-02-16. Review status: criteria provided, single submitter. Criteria: ICSL Variant Classification Criteria 13 December 2019. Collection method: clinical testing. Allele origin: germline.